The following is an entry in ClinVar:

ClinVar aggregate classification (germline): Pathogenic. Review status: reviewed by expert panel (3 of 4 stars). 69 submissions from 63 submitters: Pathogenic (1). 68 of the submissions do not count toward it. Last evaluated 2016-04-22.

Conditions:
Inherited ovarian cancer (without breast cancer).
Inherited breast cancer and ovarian cancer.
BRCA1-related cancer predisposition. Identifiers: MedGen CN377757, MONDO:0700268.
BRCA1-related disorder. Also called: BRCA1-related condition.
Fanconi anemia, complementation group S (FANCS). Identifiers: MedGen C4554406, MONDO:0054748, OMIM 617883.
Pancreatic cancer, susceptibility to, 4. Identifiers: Orphanet 1333, MedGen C3280442, MONDO:0013685, OMIM 614320.
Breast-ovarian cancer, familial, susceptibility to, 1 (BROVCA1). Also called: OVARIAN CANCER, SUSCEPTIBILITY TO; BRCA1 Hereditary Breast and Ovarian Cancer. Identifiers: Orphanet 145, MedGen C2676676, MONDO:0011450, OMIM 604370. Disease mechanism: loss of function.
Breast and/or ovarian cancer. Identifiers: MedGen CN221562.
Hereditary cancer-predisposing syndrome. Also called: Hereditary neoplastic syndrome; Hereditary Cancer Syndrome; Neoplastic Syndromes, Hereditary; Tumor predisposition. Identifiers: Orphanet 140162, MedGen C0027672, MeSH D009386, MONDO:0015356.
Hereditary breast ovarian cancer syndrome. Also called: Hereditary breast and ovarian cancer syndrome; Hereditary breast and ovarian cancer syndrome (HBOC); Breast and ovarian cancer; Hereditary breast and/or ovarian cancer syndrome; BRCA1- and BRCA2-Associated Hereditary Breast and Ovarian Cancer; Hereditary breast and ovarian cancer. Identifiers: Orphanet 145, MedGen C0677776, MeSH D061325, MONDO:0003582. Disease mechanism: loss of function.
Familial cancer of breast. Also called: hereditary breast carcinoma; BREAST CANCER, FAMILIAL; Hereditary breast cancer. Identifiers: Orphanet 227535, MedGen C0346153, MONDO:0016419, OMIM 114480. Disease mechanism: loss of function.
Malignant tumor of breast. Also called: Malignant breast neoplasm; Cancer breast. Identifiers: MedGen C0006142, MONDO:0007254. Disease mechanism: loss of function.

Submissions 1 to 11 of 69:

Evidence-based Network for the Interpretation of Germline Mutant Alleles (ENIGMA)
Classification: Pathogenic for Breast-ovarian cancer, familial, susceptibility to, 1. Last evaluated: 2016-04-22. Review status: reviewed by expert panel. Criteria: ENIGMA BRCA1/2 Classification Criteria (2015). Collection method: curation. Allele origin: germline.
Comment: Variant allele predicted to encode a truncated non-functional protein.

Genomics and Molecular Medicine Service, East Genomic Laboratory Hub, NHS Genomic Medicine Service
Classification: Pathogenic for Inherited ovarian cancer (without breast cancer). Last evaluated: 2026-08-26. Review status: criteria provided, single submitter. Criteria: ACGS Best Practice Guidelines for Variant Classification in Rare Disease 2020. Collection method: clinical testing. Allele origin: germline. Affected: yes. Not counted in ClinVar's aggregate classification.
Comment: PVS1,PM5_Strong

CeGaT Center for Human Genetics Tuebingen
Classification: Pathogenic. Last evaluated: 2026-08-01. Review status: criteria provided, single submitter. Criteria: CeGaT Center For Human Genetics Tuebingen Variant Classification Criteria Version 2. Collection method: clinical testing. Allele origin: germline. Affected: yes. Observed: 6 variant alleles. Not counted in ClinVar's aggregate classification.
Comment: BRCA1: PVS1, PM2, PS4:Moderate

Genetics Laboratory, Great Ormond Street Hospital NHS Foundation Trust, North Thames Genomic Laboratory Hub
Classification: Pathogenic for Inherited ovarian cancer (without breast cancer). Last evaluated: 2026-07-03. Review status: criteria provided, single submitter. Criteria: CanVIG BRCA Gene Specific V1.22. Collection method: clinical testing. Allele origin: germline. Affected: yes. Not counted in ClinVar's aggregate classification.
Comment: PS4_very-strong, PVS1_very-strong, PM5_strong

Genetics Laboratory, Great Ormond Street Hospital NHS Foundation Trust, North Thames Genomic Laboratory Hub
Classification: Pathogenic for Inherited breast cancer and ovarian cancer. Last evaluated: 2026-07-03. Review status: criteria provided, single submitter. Criteria: CanVIG BRCA Gene Specific V1.22. Collection method: clinical testing. Allele origin: germline. Affected: yes. Not counted in ClinVar's aggregate classification.
Comment: the same text as in the submission from Genetics Laboratory, Great Ormond Street Hospital NHS Foundation Trust, North Thames Genomic Laboratory Hub above.

Praxis Für Humangenetik, Biosciencia MVZ Labor Saar
Classification: Pathogenic for Hereditary cancer-predisposing syndrome. Last evaluated: 2026-05-05. Review status: criteria provided, single submitter. Criteria: ACMG Guidelines, 2015. Collection method: clinical testing. Allele origin: germline. Affected: yes. Observed: 3 variant alleles. Not counted in ClinVar's aggregate classification.
Comment: PVS1, PS4, PM2

PreventionGenetics, part of Exact Sciences
Classification: Pathogenic for BRCA1-related condition. Last evaluated: 2026-03-06. Review status: criteria provided, single submitter. Criteria: ACMG Guidelines, 2015. Collection method: clinical testing. Allele origin: germline. Not counted in ClinVar's aggregate classification.
Comment: The BRCA1 c.4065_4068delTCAA variant is predicted to result in a frameshift and premature protein termination (p.Asn1355Lysfs*10). This variant (also known as c.4184del4) has been frequently reported to be associated with hereditary breast, ovarian, and prostate cancers (Evans et al. 2004. PubMed ID: 14757871; Neuhausen et al. 1996. PubMed ID: 8571953; Meindl et al. 2002. PubMed ID: 11802209). This variant is reported in 0.0033% of alleles in individuals of South Asian descent in gnomAD and is interpreted as pathogenic in ClinVar (Variation ID: 17674). Frameshift variants in BRCA1 are expected to be pathogenic. This variant is interpreted as pathogenic.

Labcorp Genetics (formerly Invitae), Labcorp
Classification: Pathogenic for Hereditary breast ovarian cancer syndrome. Last evaluated: 2026-01-27. Review status: criteria provided, single submitter. Criteria: Invitae Variant Classification Sherloc (09022015). Collection method: clinical testing. Allele origin: germline. Not counted in ClinVar's aggregate classification.
Comment: This sequence change creates a premature translational stop signal (p.Asn1355Lysfs*10) in the BRCA1 gene. It is expected to result in an absent or disrupted protein product. Loss-of-function variants in BRCA1 are known to be pathogenic (PMID: 20104584). This variant is present in population databases (rs80357508, gnomAD 0.003%). This premature translational stop signal has been observed in individual(s) with breast and ovarian cancer (PMID: 8571953, 11802209, 14757871, 21559243). It has also been observed to segregate with disease in related individuals. This variant is also known as 4184del4. ClinVar contains an entry for this variant (Variation ID: 17674). For these reasons, this variant has been classified as Pathogenic.

Variantyx, Inc.
Classification: Pathogenic for Breast-ovarian cancer, familial, susceptibility to, 1. Last evaluated: 2025-08-25. Review status: criteria provided, single submitter. Criteria: Variantyx Assertion Criteria 2022. Collection method: clinical testing. Allele origin: germline. Inheritance: Autosomal dominant inheritance. Not counted in ClinVar's aggregate classification.
Comment: This is a frameshift variant in the BRCA1 gene (OMIM: 113705). Pathogenic variants in this gene have been associated with autosomal dominant susceptibility to familial breast-ovarian cancer 1. This alteration has been reported in many individuals and families with BRCA1-related cancer types (PMID:35908255; 35918668; 35409996; 35220195; 34657373). The variant introduces a premature termination codon in exon 10 out of 23 and is expected to result in loss of function, which is a known disease mechanism for BRCA1 (PMID:11157798) (PVS1). This protein termination codon (PTC) variant lies in an exon where a different proven pathogenic PTC variant has been seen before (PM5_Strong). Other reputable laboratories have reported this variant as pathogenic or likely pathogenic, and this classification has been validated by an expert panel in ClinVar (PP5). This variant has a 0.0042% maximum allele frequency in non-founder control populations. Based on the current evidence, this variant is classified as pathogenic for autosomal dominant susceptibility to familial breast-ovarian cancer 1.

Institute of Human Genetics, FAU Erlangen, Friedrich-Alexander-Universität Erlangen-Nürnberg
Classification: Pathogenic. Last evaluated: 2025-08-08. Review status: criteria provided, single submitter. Criteria: Hauer et al. (Genet Med. 2018). Collection method: clinical testing. Allele origin: germline. Inheritance: Unknown mechanism. Affected: yes. Observed: 1 variant allele. Not counted in ClinVar's aggregate classification.
Comment: This variant has been identified by standard clinical testing.

Institute of Immunology and Genetics Kaiserslautern
Classification: Pathogenic for Breast-ovarian cancer, familial, susceptibility to, 1. Last evaluated: 2025-07-29. Review status: criteria provided, single submitter. Criteria: ACMG Guidelines, 2015. Collection method: clinical testing. Allele origin: germline. Affected: yes. Not counted in ClinVar's aggregate classification.
Comment: ACMG Criteria: PVS1, PM2, PP5_M.

NM_007294.4(BRCA1):c.4065_4068del (p.Asn1355fs)

Genes: BRCA1 (BRCA1 DNA repair associated; minus strand), LOC126862571 (BRD4-independent group 4 enhancer GRCh37_chr17:41243136-41244335; plus strand). Cytogenetic location: 17q21.31.
Variant type: Deletion.
Coding change: c.4065_4068del on transcript NM_007294.4 (MANE Select); coding-DNA positions 4065 to 4068, 4 bases deleted (TCAA; older notation c.4065_4068delTCAA).
Protein change: p.Asn1355fs; shifts the reading frame from asparagine 1355.
Molecular consequence: frameshift variant. On other transcripts: intron variant (135).
Genome position (GRCh38, 1-based): chr17:43,091,463-43,091,466, TTGA deleted on the plus strand (TCAA on the coding strand, the reverse complement: BRCA1 is on the minus strand); deleting any 4 consecutive bases within chr17:43,091,463-43,091,468 gives the same sequence; the c. name uses the placement nearest the transcript's 3' end. VCF-style (leftmost placement, unchanged base first): chr17-43091462-CTTGA-C. GRCh37 (hg19) VCF-style: chr17-41243479-CTTGA-C.
Other names: 3333del4; 4184_4187delTCAA; 4184del4; c.4065_4068del (U14680.1); c.4065_4068delTCAA (NM_007294.3, NM_007300.3); c.3852_3855del, p.Asn1284fs (NM_001407571.1, NM_001407853.1, NM_001407894.1 and 9 more transcripts); c.4065_4068del, p.Asn1355fs (NM_001407581.1, NM_001407582.1, NM_001407583.1 and 30 more transcripts); c.4062_4065del, p.Asn1354fs (NM_001407587.1, NM_001407590.1, NM_001407591.1 and 22 more transcripts); and 46 more; short protein forms N1355fs, N1308fs, N1059fs, N1227fs, N1284fs, N1288fs, N1307fs, N1314fs.
Identifiers: ClinVar variation 17674 (VCV000017674.111), dbSNP rs80357508, ClinGen allele CA026492.
Genomic context (GRCh38, chr17:43,091,462, plus strand): 5'-ACTGGGGCAAACACAAAAACCTGGTTCCAATACCTAAGTTTGAATCCATGCTTTGCTCTT[CTTGA>C]TTATTTTCTTCCAAGCCCGTTCCTCTTTCTTCATCATCTGAAACCAATTCCTTGTCACTC-3'